The following is an entry in ClinVar:

NM_024753.5(TTC21B):c.2033A>G (p.Gln678Arg)

Gene: TTC21B (tetratricopeptide repeat domain 21B; minus strand). Cytogenetic location: 2q24.3.
Variant type: single nucleotide variant.
Coding change: c.2033A>G on transcript NM_024753.5 (MANE Select); coding-DNA position 2033, A replaced by G.
Protein change: p.Gln678Arg; replaces glutamine 678 with arginine.
Molecular consequence: missense variant.
Genome position (GRCh38, 1-based): chr2:165,915,306, T>C on the plus strand (A>G on the coding strand, the complement: TTC21B is on the minus strand). VCF-style: chr2-165915306-T-C. GRCh37 (hg19) VCF-style: chr2-166771816-T-C.
Other names: c.2033A>G (NM_024753.4); short protein forms Q678R.
Identifiers: ClinVar variation 4790440 (VCV004790440.2).

ClinVar aggregate classification (germline): Conflicting classifications of pathogenicity. Review status: criteria provided, conflicting classifications (1 of 4 stars). 2 submissions from 2 submitters: Uncertain significance (1); Likely benign (1). Last evaluated 2025-12-23.

Conditions:
TTC21B-related disorder. Also called: TTC21B-related condition; TTC21B-related disorders.
Jeune thoracic dystrophy. Also called: Jeune syndrome; Infantile thoracic dystrophy; Thoracic pelvic phalangeal dystrophy; Jeune's syndrome; Chondroectodermal dysplasia-like syndrome; Short-rib thoracic dysplasia. Identifiers: Orphanet 474, MedGen C0265275, MONDO:0018770.
Nephronophthisis. Also called: Juvenile Nephronophthisis. Identifiers: Orphanet 655, MedGen C0687120, MONDO:0019005, HP:0000090.

gnomAD v4.1: 18 of 1,614,036 alleles (0.0011%); highest among the groups gnomAD compares: Admixed American, 0.03%; no homozygotes.

Submissions (2):

PreventionGenetics, part of Exact Sciences
Classification: Uncertain significance for TTC21B-related condition. Last evaluated: 2025-12-23. Review status: criteria provided, single submitter. Criteria: ACMG Guidelines, 2015. Collection method: clinical testing. Allele origin: germline.
Comment: The TTC21B c.2033A>G variant is predicted to result in the amino acid substitution p.Gln678Arg. To our knowledge, this variant has not been reported in the literature. This variant is reported in 0.046% of alleles in individuals of Latino descent in gnomAD. At this time, the clinical significance of this variant is uncertain due to the absence of conclusive functional and genetic evidence.

Labcorp Genetics (formerly Invitae), Labcorp
Classification: Likely benign for Jeune thoracic dystrophy; Nephronophthisis. Last evaluated: 2025-07-31. Review status: criteria provided, single submitter. Criteria: Invitae Variant Classification Sherloc (09022015). Collection method: clinical testing. Allele origin: germline.